The following is an entry in ClinVar:

NM_000257.4(MYH7):c.1477A>G (p.Met493Val)

Gene: MYH7 (myosin heavy chain 7; minus strand). Cytogenetic location: 14q11.2.
Variant type: single nucleotide variant.
Coding change: c.1477A>G on transcript NM_000257.4 (MANE Select); coding-DNA position 1477, A replaced by G.
Protein change: p.Met493Val; replaces methionine 493 with valine.
Molecular consequence: missense variant.
Genome position (GRCh38, 1-based): chr14:23,428,601, T>C on the plus strand (A>G on the coding strand, the complement: MYH7 is on the minus strand). VCF-style: chr14-23428601-T-C. GRCh37 (hg19) VCF-style: chr14-23897810-T-C.
Other names: p.M493V:ATG>GTG; c.1477A>G (NM_000257.3); short protein forms M493V.
Identifiers: ClinVar variation 181349 (VCV000181349.22), dbSNP rs730880875, ClinGen allele CA010805.
Genomic context (GRCh38, chr14:23,428,601, plus strand): 5'-AGTCAATGAATGTCCACTCGATGCCCTCCTTCTTGTACTCCTCCTGCTCCAGCACAAACA[T>C]GTGGTGGTTGAAGAACTGCTGCAGCTTCTCGTTGGTGAAGTTGATGCAGAGCTGCTCAAA-3'
Protein context (NP_000248.2, residues 483-503): EKLQQFFNHH[Met493Val]FVLEQEEYKK

ClinVar aggregate classification (germline): Pathogenic/Likely pathogenic. Review status: criteria provided, multiple submitters, no conflicts (2 of 4 stars). 7 submissions from 7 submitters: Pathogenic (1); Likely pathogenic (6). Last evaluated 2025-09-12.

Conditions:
MYH7-related disorder. Also called: MYH7-related condition; MYH7-related disease; MYH7-related disorders.
Cardiovascular phenotype. Identifiers: MedGen CN230736.
Cardiomyopathy (CMYO). Also called: Cardiomyopathies. Identifiers: Orphanet 167848, MedGen C0878544, MONDO:0004994, HP:0001638. Inheritance: Various modes of inheritance.
Hypertrophic cardiomyopathy. Also called: HYPERTROPHIC MYOCARDIOPATHY. Identifiers: Orphanet 217569, MedGen C0007194, MeSH D002312, MONDO:0005045, HP:0001639.

Submissions (7):

Labcorp Genetics (formerly Invitae), Labcorp
Classification: Pathogenic for Hypertrophic cardiomyopathy. Last evaluated: 2025-09-12. Review status: criteria provided, single submitter. Criteria: Invitae Variant Classification Sherloc (09022015). Collection method: clinical testing. Allele origin: germline.
Comment: This sequence change replaces methionine, which is neutral and non-polar, with valine, which is neutral and non-polar, at codon 493 of the MYH7 protein (p.Met493Val). This variant is not present in population databases (gnomAD no frequency). This missense change has been observed in individuals with autosomal dominant MYH7-related cardiomyopathy (PMID: 17599605, 23816408, 27532257, 32492895; internal data). ClinVar contains an entry for this variant (Variation ID: 181349). Invitae Evidence Modeling of protein sequence and biophysical properties (such as structural, functional, and spatial information, amino acid conservation, physicochemical variation, residue mobility, and thermodynamic stability) indicates that this missense variant is expected to disrupt MYH7 protein function with a positive predictive value of 95%. This variant disrupts the p.Met493 amino acid residue in MYH7. Other variant(s) that disrupt this residue have been observed in individuals with MYH7-related conditions (PMID: 24093860, 28615295), which suggests that this may be a clinically significant amino acid residue. For these reasons, this variant has been classified as Pathogenic.

GeneDx
Classification: Likely pathogenic. Last evaluated: 2024-10-24. Review status: criteria provided, single submitter. Criteria: GeneDx Variant Classification Process June 2021. Collection method: clinical testing. Allele origin: germline. Affected: yes.
Comment: Identified in patients with HCM referred for genetic testing at GeneDx and in published literature (PMID: 32492895, 37652022, 36136372, 23816408, 27532257); Not observed at significant frequency in large population cohorts (gnomAD); In silico analysis supports that this missense variant has a deleterious effect on protein structure/function; This variant is associated with the following publications: (PMID: 24093860, 28606303, 23816408, 27532257, 32492895, 17599605, 37652022, 29300372, 36136372)

Ambry Genetics
Classification: Likely pathogenic for Cardiovascular phenotype. Last evaluated: 2024-09-05. Review status: criteria provided, single submitter. Criteria: Ambry Variant Classification Scheme 2023. Collection method: clinical testing. Allele origin: germline.
Comment: The p.M493V variant (also known as c.1477A>G), located in coding exon 13 of the MYH7 gene, results from an A to G substitution at nucleotide position 1477. The methionine at codon 493 is replaced by valine, an amino acid with highly similar properties. This alteration is located in the myosin head domain, which contains a statistically significant clustering of pathogenic missense variants (Homburger JR et al. Proc Natl Acad Sci U S A, 2016 06;113:6701-6; Walsh R et al. Genet Med, 2017 02;19:192-203; Ambry internal data). This alteration has been detected in individuals reported to have hypertrophic cardiomyopathy (Meyer T et al. Gene. 2013 Sep;527:416-20; Walsh R et al. Genet Med. 2017;19:192-203; Kim HY et al. J Clin Med. 2020 Jun;9(6); Nafissi NA et al. Circ Genom Precis Med. 2022 Oct;15(5):e003675; external communication; Ambry internal data). This amino acid position is highly conserved in available vertebrate species. In addition, this alteration is predicted to be deleterious by in silico analysis. This variant is considered to be rare based on population cohorts in the Genome Aggregation Database (gnomAD). Based on the majority of available evidence to date, this variant is likely to be pathogenic.

Women's Health and Genetics/Laboratory Corporation of America, LabCorp
Classification: Likely pathogenic for Cardiomyopathy. Last evaluated: 2023-06-09. Review status: criteria provided, single submitter. Criteria: LabCorp Variant Classification Summary - May 2015. Collection method: clinical testing. Allele origin: germline.
Comment: Variant summary: MYH7 c.1477A>G (p.Met493Val) results in a conservative amino acid change located in the Myosin head, motor domain (IPR001609) of the encoded protein sequence. Three of five in-silico tools predict a damaging effect of the variant on protein function. The variant was absent in 251488 control chromosomes (gnomAD). c.1477A>G has been reported in the literature in individuals affected with Hypertrophic Cardiomyopathy (e.g. Meyer_2013, Walsh_2017, Kim)2020, Nafissi_2022). These data indicate that the variant is likely to be associated with disease. To our knowledge, no experimental evidence demonstrating an impact on protein function has been reported. The following publications have been ascertained in the context of this evaluation (PMID: 32492895, 23816408, 36136372, 27532257). Five ClinVar submitters have assessed the variant since 2014: one classified the variant as uncertain significance and four as likely pathogenic. Based on the evidence outlined above, the variant was classified as likely pathogenic.

Blueprint Genetics
Classification: Likely pathogenic for MYH7-related disorders. Last evaluated: 2021-01-20. Review status: criteria provided, single submitter. Criteria: ACMG Guidelines, 2015. Collection method: clinical testing. Allele origin: germline. Affected: yes. Observed: 1 variant allele.

Institute of Medical Genetics and Applied Genomics, University Hospital Tübingen
Classification: Likely pathogenic. Last evaluated: 2020-10-23. Review status: criteria provided, single submitter. Criteria: ACMG Guidelines, 2015. Collection method: clinical testing. Allele origin: germline. Inheritance: Unknown mechanism. Affected: yes.

Laboratory for Molecular Medicine, Mass General Brigham Personalized Medicine
Classification: Likely pathogenic for Hypertrophic cardiomyopathy. Last evaluated: 2019-02-26. Review status: criteria provided, single submitter. Criteria: LMM Criteria. Collection method: clinical testing. Allele origin: germline. Observed: 1 variant allele.
Comment: proposed classification - variant undergoing re-assessment, contact laboratory

Literature cited by the submitters: PubMed 17599605 (cited by Labcorp Genetics (formerly Invitae), Labcorp and Laboratory for Molecular Medicine, Mass General Brigham Personalized Medicine); PubMed 23816408 (cited by 4 submitters); PubMed 27532257 (cited by 4 submitters); PubMed 32492895 (cited by 3 submitters); PubMed 24093860 (cited by 3 submitters); PubMed 28615295 (cited by Labcorp Genetics (formerly Invitae), Labcorp); PubMed 29875424 (cited by Ambry Genetics); PubMed 36136372 (cited by Ambry Genetics and Women's Health and Genetics/Laboratory Corporation of America, LabCorp); PubMed 28606303 (cited by Laboratory for Molecular Medicine, Mass General Brigham Personalized Medicine).